The following is an entry in ClinVar:

ClinVar aggregate classification (germline): Uncertain significance (1 of 4 stars; one submission).

Conditions:
Congenital contractural arachnodactyly (CCA). Also called: BEALS SYNDROME; Beals-Hecht syndrome; Arthrogryposis, distal, type 9. Identifiers: Orphanet 115, MedGen C0220668, MONDO:0007363, OMIM 121050.

Allele frequency attached by ClinVar (database versions not stated): gnomAD exomes below 0.00001.
gnomAD v4.1: 1 of 1,614,070 alleles (0.000062%); highest among the groups gnomAD compares: Non-Finnish European, 0.000085%; no homozygotes.

Submission:

Labcorp Genetics (formerly Invitae), Labcorp
Classification: Uncertain significance for Congenital contractural arachnodactyly. Last evaluated: 2021-11-18. Review status: criteria provided, single submitter. Criteria: Invitae Variant Classification Sherloc (09022015). Collection method: clinical testing. Allele origin: germline.
Comment: This sequence change replaces threonine, which is neutral and polar, with alanine, which is neutral and non-polar, at codon 2487 of the FBN2 protein (p.Thr2487Ala). In summary, the available evidence is currently insufficient to determine the role of this variant in disease. Therefore, it has been classified as a Variant of Uncertain Significance. Advanced modeling of protein sequence and biophysical properties (such as structural, functional, and spatial information, amino acid conservation, physicochemical variation, residue mobility, and thermodynamic stability) performed at Invitae indicates that this missense variant is not expected to disrupt FBN2 protein function. This variant has not been reported in the literature in individuals affected with FBN2-related conditions. This variant is not present in population databases (gnomAD no frequency).

NM_001999.4(FBN2):c.7459A>G (p.Thr2487Ala)

Gene: FBN2 (fibrillin 2; minus strand). Cytogenetic location: 5q23.3.
Variant type: single nucleotide variant.
Coding change: c.7459A>G on transcript NM_001999.4 (MANE Select); coding-DNA position 7459, A replaced by G.
Protein change: p.Thr2487Ala; replaces threonine 2487 with alanine.
Molecular consequence: missense variant.
Genome position (GRCh38, 1-based): chr5:128,277,892, T>C on the plus strand (A>G on the coding strand, the complement: FBN2 is on the minus strand). VCF-style: chr5-128277892-T-C. GRCh37 (hg19) VCF-style: chr5-127613584-T-C.
Other names: short protein forms T2487A.
Identifiers: ClinVar variation 1393850 (VCV001393850.6), dbSNP rs2126808746, ClinGen allele CA360754264.
Genomic context (GRCh38, chr5:128,277,892, plus strand): 5'-TAGCTGATTAGCCCCCAAACCCCTGGATATAGAGGTGCCCATCGTTACCTATACAAGAGG[T>C]TCCACTGATGTCTGTGGTGTAGCCAACCTTGCAGAAGCATCGGAATGAGCCCATGGTATT-3'
Protein context (NP_001990.2, residues 2477-2497): KVGYTTDISG[Thr2487Ala]SCIDLDECSQ